The following is an entry in ClinVar:

ClinVar aggregate classification (germline): Uncertain significance (1 of 4 stars; one submission).

gnomAD v4.1: 1 of 1,613,834 alleles (0.000062%); highest among the groups gnomAD compares: Non-Finnish European, 0.000085%; no homozygotes.

Submission:

GeneDx
Classification: Uncertain significance. Last evaluated: 2023-11-02. Review status: criteria provided, single submitter. Criteria: GeneDx Variant Classification Process June 2021. Collection method: clinical testing. Allele origin: germline. Affected: yes.
Comment: Not observed at significant frequency in large population cohorts (gnomAD); In silico analysis supports that this missense variant has a deleterious effect on protein structure/function; Has not been previously published as pathogenic or benign to our knowledge; Variants in candidate genes are classified as variants of uncertain significance in accordance with ACMG guidelines (Richards et al., 2015)

NM_015030.2(FRYL):c.5444A>G (p.Gln1815Arg)

Gene: FRYL (FRY like transcription coactivator; minus strand). Cytogenetic location: 4p11.
Variant type: single nucleotide variant.
Coding change: c.5444A>G on transcript NM_015030.2 (MANE Select); coding-DNA position 5444, A replaced by G.
Protein change: p.Gln1815Arg; replaces glutamine 1815 with arginine.
Molecular consequence: missense variant.
Genome position (GRCh38, 1-based): chr4:48,543,955, T>C on the plus strand (A>G on the coding strand, the complement: FRYL is on the minus strand). VCF-style: chr4-48543955-T-C. GRCh37 (hg19) VCF-style: chr4-48545972-T-C.
Other names: short protein forms Q1815R.
Identifiers: ClinVar variation 3342833 (VCV003342833.1).
Genomic context (GRCh38, chr4:48,543,955, plus strand): 5'-GCCCTGAAAATCTGAAAGGATCTCCCAGCATAGTGTCGAGAAGAACAGGAAAGTGCTGTT[T>C]GCAGAGCAACTTCACTAAGATGATGTTCCAGATGAATTCCTTCTGTGAATGCAAAGGAAA-3'
Protein context (NP_055845.1, residues 1805-1825): LEHHLSEVAL[Gln1815Arg]TALSCSSRHY